The following is an entry in ClinVar:

ClinVar aggregate classification (germline): Uncertain significance. Review status: criteria provided, multiple submitters, no conflicts (2 of 4 stars). 3 submissions from 3 submitters: Uncertain significance (3). Last evaluated 2025-02-25.

Conditions:
Hereditary cancer-predisposing syndrome. Also called: Hereditary Cancer Syndrome; Neoplastic Syndromes, Hereditary; Tumor predisposition; Hereditary neoplastic syndrome. Identifiers: Orphanet 140162, MedGen C0027672, MeSH D009386, MONDO:0015356.
Retinoblastoma (RB1). Also called: RETINOBLASTOMA, SOMATIC. Identifiers: Orphanet 790, MedGen C0035335, MeSH D012175, MONDO:0008380, OMIM 180200, HP:0009919. Disease mechanism: loss of function. Inheritance: Both sporadic and heritable forms are tested..

Submissions (3):

Labcorp Genetics (formerly Invitae), Labcorp
Classification: Uncertain significance for Retinoblastoma. Last evaluated: 2025-02-25. Review status: criteria provided, single submitter. Criteria: Invitae Variant Classification Sherloc (09022015). Collection method: clinical testing. Allele origin: germline.
Comment: This variant, c.534_536del, results in the deletion of 1 amino acid(s) of the RB1 protein (p.Ser180del), but otherwise preserves the integrity of the reading frame. This variant is not present in population databases (gnomAD no frequency). This variant has not been reported in the literature in individuals affected with RB1-related conditions. ClinVar contains an entry for this variant (Variation ID: 1746935). Experimental studies and prediction algorithms are not available or were not evaluated, and the functional significance of this variant is currently unknown. In summary, the available evidence is currently insufficient to determine the role of this variant in disease. Therefore, it has been classified as a Variant of Uncertain Significance.

All of Us Research Program, National Institutes of Health
Classification: Uncertain significance for Retinoblastoma. Last evaluated: 2023-09-04. Review status: criteria provided, single submitter. Criteria: ACMG Guidelines, 2015. Collection method: clinical testing. Allele origin: germline. Inheritance: Autosomal dominant inheritance. Observed: 1 variant allele, 1 heterozygote.
Comment: This variant causes the deletion of a serine at codon 180 in the RB1 protein. To our knowledge, functional studies have not been reported for this variant. This variant has not been reported in individuals affected with RB1-related disorders in the literature. This variant has not been identified in the general population by the Genome Aggregation Database (gnomAD). The available evidence is insufficient to determine the role of this variant in disease conclusively. Therefore, this variant is classified as a Variant of Uncertain Significance.

This study involves interpretation of variants in research participants for the purpose of population health screening. Participant phenotype was not available at the time of variant classification. Additional details can be found in publication PMID: 35346344, PMCID: PMC8962531

Ambry Genetics
Classification: Uncertain significance for Hereditary cancer-predisposing syndrome. Last evaluated: 2021-05-31. Review status: criteria provided, single submitter. Criteria: Ambry Variant Classification Scheme 2023. Collection method: clinical testing. Allele origin: germline.
Comment: The c.534_536delCAG variant (also known as p.S180del) is located in coding exon 5 of the RB1 gene. This variant results from an in-frame CAG deletion at nucleotide positions 534 to 536. This results in the in-frame deletion of a serine at codon 180. This amino acid position is not well conserved in available vertebrate species. In addition, the in silico prediction for this alteration is inconclusive (Choi Y et al. PLoS ONE. 2012; 7(10):e46688). Since supporting evidence is limited at this time, the clinical significance of this alteration remains unclear.

NM_000321.3(RB1):c.531CAG[1] (p.Ser180del)

Gene: RB1 (RB transcriptional corepressor 1; plus strand). Cytogenetic location: 13q14.2.
Variant type: Microsatellite.
Coding change: c.531CAG[1] on transcript NM_000321.3 (MANE Select); one copy of the 3-base unit CAG starting at c.531; the reference has two copies in a row; one copy, 3 bases deleted.
Protein change: p.Ser180del; deletes serine 180.
Molecular consequence: inframe deletion. On other transcripts: inframe indel (4).
Genome position (GRCh38, 1-based): chr13:48,347,858-48,347,860, CAG deleted; deleting any 3 consecutive bases within chr13:48,347,855-48,347,860 gives the same sequence; the position shown is the placement nearest the transcript's 3' end. VCF-style (leftmost placement, unchanged base first): chr13-48347854-CCAG-C. GRCh37 (hg19) VCF-style: chr13-48921990-CCAG-C.
Other names: c.531_533CAG[1], p.Ser180del (NM_000321.2, NM_001407165.1, NM_001407166.1); c.534_536delCAG (NM_000321.2); short protein forms S180del.
Identifiers: ClinVar variation 1746935 (VCV001746935.5), dbSNP rs2542163740, ClinGen allele CA2580614724.